The following is an entry in ClinVar:

NM_013261.5(PPARGC1A):c.2294-4dup

Gene: PPARGC1A (PPARG coactivator 1 alpha; minus strand). Cytogenetic location: 4p15.2.
Variant type: Duplication.
Coding change: c.2294-4dup on transcript NM_013261.5 (MANE Select); 4 bases into the intron before coding-DNA position 2294, one base duplicated (T; older notation c.2294-4dupT).
Molecular consequence: intron variant.
Genome position (GRCh38, 1-based): chr4:23,795,929, A duplicated on the plus strand (T on the coding strand, the reverse complement: PPARGC1A is on the minus strand); the first of 8 consecutive A bases (chr4:23,795,929-23,795,936); duplicating any one gives the same sequence. VCF-style (leftmost placement, unchanged base first): chr4-23795928-G-GA. GRCh37 (hg19) VCF-style: chr4-23797551-G-GA.
Other names: c.2303-4dup (NM_001354827.2); c.2309-4dup (NM_001354825.2, NM_001330751.2); c.2258-4dup (NM_001330752.2); c.1913-4dup (NM_001354826.2, NM_001330753.2).
Identifiers: ClinVar variation 3341509 (VCV003341509.16).

ClinVar aggregate classification (germline): Likely benign (1 of 4 stars; one submission).

Submission:

CeGaT Center for Human Genetics Tuebingen
Classification: Likely benign. Last evaluated: 2024-08-01. Review status: criteria provided, single submitter. Criteria: CeGaT Center For Human Genetics Tuebingen Variant Classification Criteria Version 2. Collection method: clinical testing. Allele origin: germline. Affected: yes. Observed: 1 variant allele.
Comment: PPARGC1A: BP4